The following is an entry in ClinVar:

NM_002968.3(SALL1):c.478G>A (p.Gly160Ser)

Gene: SALL1 (spalt like transcription factor 1; minus strand). Cytogenetic location: 16q12.1.
Variant type: single nucleotide variant.
Coding change: c.478G>A on transcript NM_002968.3 (MANE Select); coding-DNA position 478, G replaced by A.
Protein change: p.Gly160Ser; replaces glycine 160 with serine.
Molecular consequence: missense variant.
Genome position (GRCh38, 1-based): chr16:51,141,744, C>T on the plus strand (G>A on the coding strand, the complement: SALL1 is on the minus strand). VCF-style: chr16-51141744-C-T. GRCh37 (hg19) VCF-style: chr16-51175655-C-T.
Other names: c.187G>A, p.Gly63Ser (NM_001127892.2); short protein forms G160S, G63S.
Identifiers: ClinVar variation 258876 (VCV000258876.41), dbSNP rs199760974, ClinGen allele CA10587244.

ClinVar aggregate classification (germline): Benign/Likely benign. Review status: criteria provided, multiple submitters, no conflicts (2 of 4 stars). 5 submissions from 5 submitters: Benign (2); Likely benign (3). Last evaluated 2025-11-06.

Conditions:
Townes syndrome (TBS). Also called: Townes-Brocks syndrome. Identifiers: Orphanet 857, MedGen C0265246, MeSH C536974, MONDO:0007142.

Allele frequency attached by ClinVar (database versions not stated): gnomAD exomes 0.00087; gnomAD 0.00090 and 0.00093; 1000 Genomes Project 0.01058.
gnomAD v4.1: 2,214 of 1,579,924 alleles (0.14%); highest among the groups gnomAD compares: Non-Finnish European, 0.18%; 1 homozygote.

Submissions (5):

Labcorp Genetics (formerly Invitae), Labcorp
Classification: Likely benign for Townes syndrome. Last evaluated: 2025-11-06. Review status: criteria provided, single submitter. Criteria: Invitae Variant Classification Sherloc (09022015). Collection method: clinical testing. Allele origin: germline.

Blueprint Genetics
Classification: Likely benign. Last evaluated: 2024-11-18. Review status: criteria provided, single submitter. Criteria: ACMG Guidelines, 2015. Collection method: clinical testing. Allele origin: germline.

CeGaT Center for Human Genetics Tuebingen
Classification: Likely benign. Last evaluated: 2023-08-01. Review status: criteria provided, single submitter. Criteria: CeGaT Center For Human Genetics Tuebingen Variant Classification Criteria Version 2. Collection method: clinical testing. Allele origin: germline. Affected: yes. Observed: 4 variant alleles.
Comment: SALL1: BP4, BS1

GeneDx
Classification: Benign. Last evaluated: 2020-04-07. Review status: criteria provided, single submitter. Criteria: GeneDx Variant Classification Process June 2021. Collection method: clinical testing. Allele origin: germline. Affected: yes.

PreventionGenetics, part of Exact Sciences
Classification: Benign. Review status: criteria provided, single submitter. Criteria: ACMG Guidelines, 2015. Collection method: clinical testing. Allele origin: germline.